The following is an entry in ClinVar:

ClinVar aggregate classification (germline): Uncertain significance. Review status: criteria provided, multiple submitters, no conflicts (2 of 4 stars). 4 submissions from 4 submitters: Uncertain significance (4). Last evaluated 2025-09-09.

Conditions:
Cardiomyopathy (CMYO). Also called: Cardiomyopathies. Identifiers: Orphanet 167848, MedGen C0878544, MONDO:0004994, HP:0001638. Inheritance: Various modes of inheritance.
Arrhythmogenic right ventricular dysplasia 5. Also called: Arrhythmogenic Right Ventricular Dysplasia/Cardiomyopathy 5; ARRHYTHMOGENIC RIGHT VENTRICULAR DYSPLASIA, FAMILIAL, 5. Identifiers: MedGen C1858379, MONDO:0011459, OMIM 604400.

gnomAD v4.1: 30 of 1,612,444 alleles (0.0019%); highest among the groups gnomAD compares: Non-Finnish European, 0.0023%; no homozygotes.

Submissions (4):

Labcorp Genetics (formerly Invitae), Labcorp
Classification: Uncertain significance for Arrhythmogenic right ventricular dysplasia 5. Last evaluated: 2025-09-09. Review status: criteria provided, single submitter. Criteria: Invitae Variant Classification Sherloc (09022015). Collection method: clinical testing. Allele origin: germline.
Comment: This sequence change replaces arginine, which is basic and polar, with glycine, which is neutral and non-polar, at codon 240 of the TMEM43 protein (p.Arg240Gly). This variant is present in population databases (rs367910936, gnomAD 0.003%). This variant has not been reported in the literature in individuals affected with TMEM43-related conditions. ClinVar contains an entry for this variant (Variation ID: 1026428). Invitae Evidence Modeling of protein sequence and biophysical properties (such as structural, functional, and spatial information, amino acid conservation, physicochemical variation, residue mobility, and thermodynamic stability) indicates that this missense variant is expected to disrupt TMEM43 protein function with a positive predictive value of 80%. In summary, the available evidence is currently insufficient to determine the role of this variant in disease. Therefore, it has been classified as a Variant of Uncertain Significance.

All of Us Research Program, National Institutes of Health
Classification: Uncertain significance for Arrhythmogenic right ventricular dysplasia 5. Last evaluated: 2023-12-13. Review status: criteria provided, single submitter. Criteria: ACMG Guidelines, 2015. Collection method: clinical testing. Allele origin: germline. Inheritance: Autosomal dominant inheritance. Observed: 2 variant alleles, 2 heterozygotes.
Comment: This missense variant replaces arginine with glycine at codon 240 of the TMEM43 protein. Computational prediction suggests that this variant may have deleterious impact on protein structure and function (internally defined REVEL score threshold >= 0.7, PMID: 27666373). To our knowledge, functional studies have not been reported for this variant. This variant has not been reported in individuals affected with TMEM43-related disorders in the literature. This variant has been identified in 6/249912 chromosomes in the general population by the Genome Aggregation Database (gnomAD). The available evidence is insufficient to determine the role of this variant in disease conclusively. Therefore, this variant is classified as a Variant of Uncertain Significance.

This study involves interpretation of variants in research participants for the purpose of population health screening. Participant phenotype was not available at the time of variant classification. Additional details can be found in publication PMID: 35346344, PMCID: PMC8962531

Color Diagnostics, LLC DBA Color Health
Classification: Uncertain significance for Cardiomyopathy. Last evaluated: 2023-09-21. Review status: criteria provided, single submitter. Criteria: ACMG Guidelines, 2015. Collection method: clinical testing. Allele origin: germline.
Comment: This missense variant replaces arginine with glycine at codon 240 of the TMEM43 protein. Computational prediction suggests that this variant may have deleterious impact on protein structure and function (internally defined REVEL score threshold >= 0.7, PMID: 27666373). To our knowledge, functional studies have not been reported for this variant. This variant has not been reported in individuals affected with TMEM43-related disorders in the literature. This variant has been identified in 6/249912 chromosomes in the general population by the Genome Aggregation Database (gnomAD). The available evidence is insufficient to determine the role of this variant in disease conclusively. Therefore, this variant is classified as a Variant of Uncertain Significance.

Clinical Genomics Laboratory, Stanford Medicine
Classification: Uncertain significance for Arrhythmogenic right ventricular dysplasia 5. Last evaluated: 2021-07-13. Review status: criteria provided, single submitter. Criteria: ACMG Guidelines, 2015. Collection method: clinical testing. Allele origin: germline. Affected: yes. Observed: 1 heterozygote.
Comment: The p.Arg240Gly variant in the TMEM43 gene has not been previously reported in association with disease.Different amino acid changes (p.Arg240Cys, p.Arg240His) have been previously reported at this residue; however, these variantsare of unknown significance(Andreasen et al., 2013; Verdonschot et al., 2020).This varianthas been identified in 6/249,912 chromosomes by the Genome Aggregation Database. The arginine at position 240is highly conserved. Computational tools predict that the p.Arg240Gly variant is deleterious; however, the accuracy of in silicoalgorithms is limited.These data were assessed using the ACMG/AMP variant interpretation guidelines. In summary, the significance of thep.Arg240Glyvariant is uncertain.Additional information is needed to resolve the significance of this variant. [ACMG evidence codes used: BP5; PM2; PP3]

NM_024334.3(TMEM43):c.718C>G (p.Arg240Gly)

Gene: TMEM43 (transmembrane protein 43; plus strand). Cytogenetic location: 3p25.1.
Variant type: single nucleotide variant.
Coding change: c.718C>G on transcript NM_024334.3 (MANE Select); coding-DNA position 718, C replaced by G.
Protein change: p.Arg240Gly; replaces arginine 240 with glycine.
Molecular consequence: missense variant.
Genome position (GRCh38, 1-based): chr3:14,135,170, C>G. VCF-style: chr3-14135170-C-G. GRCh37 (hg19) VCF-style: chr3-14176670-C-G.
Other names: p.Arg240Gly; c.718C>G (NM_024334.2); short protein forms R240G.
Identifiers: ClinVar variation 1026428 (VCV001026428.11), dbSNP rs367910936, ClinGen allele CA055127.